The following is an entry in ClinVar:

NM_000057.4(BLM):c.1117A>G (p.Ile373Val)

Gene: BLM (BLM RecQ like helicase; plus strand). Cytogenetic location: 15q26.1.
Variant type: single nucleotide variant.
Coding change: c.1117A>G on transcript NM_000057.4 (MANE Select); coding-DNA position 1117, A replaced by G.
Protein change: p.Ile373Val; replaces isoleucine 373 with valine.
Molecular consequence: missense variant. On other transcripts: 5 prime UTR variant (1).
Genome position (GRCh38, 1-based): chr15:90,760,176, A>G. VCF-style: chr15-90760176-A-G. GRCh37 (hg19) VCF-style: chr15-91303406-A-G.
Other names: c.1117A>G, p.Ile373Val (NM_001287246.2, NM_001287247.2); c.-9A>G (NM_001287248.2); short protein forms I373V.
Identifiers: ClinVar variation 862835 (VCV000862835.9), dbSNP rs766212032, ClinGen allele CA7738467.

ClinVar aggregate classification (germline): Uncertain significance. Review status: criteria provided, multiple submitters, no conflicts (2 of 4 stars). 2 submissions from 2 submitters: Uncertain significance (2). Last evaluated 2025-10-23.

Conditions:
Hereditary cancer-predisposing syndrome. Also called: Hereditary Cancer Syndrome; Tumor predisposition; Neoplastic Syndromes, Hereditary; Hereditary neoplastic syndrome. Identifiers: Orphanet 140162, MedGen C0027672, MeSH D009386, MONDO:0015356.
Bloom syndrome (BLM). Also called: Bloom-Torre-Machacek syndrome. Identifiers: Orphanet 125, MedGen C0005859, MONDO:0008876, OMIM 210900.

Allele frequency attached by ClinVar (database versions not stated): gnomAD exomes below 0.00001 and 0.00001; TOPMed below 0.00001; ExAC 0.00001; gnomAD 0.00001.
gnomAD v4.1: 4 of 1,612,190 alleles (0.00025%); highest among the groups gnomAD compares: Non-Finnish European, 0.00034%; no homozygotes.

Submissions (2):

Ambry Genetics
Classification: Uncertain significance for Hereditary cancer-predisposing syndrome. Last evaluated: 2025-10-23. Review status: criteria provided, single submitter. Criteria: Ambry Variant Classification Scheme 2023. Collection method: clinical testing. Allele origin: germline.
Comment: The p.I373V variant (also known as c.1117A>G), located in coding exon 5 of the BLM gene, results from an A to G substitution at nucleotide position 1117. The isoleucine at codon 373 is replaced by valine, an amino acid with highly similar properties. This amino acid position is not well conserved in available vertebrate species. In addition, this alteration is predicted to be tolerated by in silico analysis. Since supporting evidence is limited at this time, the clinical significance of this alteration remains unclear.

Labcorp Genetics (formerly Invitae), Labcorp
Classification: Uncertain significance for Bloom syndrome. Last evaluated: 2025-07-27. Review status: criteria provided, single submitter. Criteria: Invitae Variant Classification Sherloc (09022015). Collection method: clinical testing. Allele origin: germline.
Comment: This sequence change replaces isoleucine, which is neutral and non-polar, with valine, which is neutral and non-polar, at codon 373 of the BLM protein (p.Ile373Val). This variant is present in population databases (rs766212032, gnomAD 0.0009%). This variant has not been reported in the literature in individuals affected with BLM-related conditions. ClinVar contains an entry for this variant (Variation ID: 862835). Invitae Evidence Modeling of protein sequence and biophysical properties (such as structural, functional, and spatial information, amino acid conservation, physicochemical variation, residue mobility, and thermodynamic stability) indicates that this missense variant is not expected to disrupt BLM protein function with a negative predictive value of 80%. In summary, the available evidence is currently insufficient to determine the role of this variant in disease. Therefore, it has been classified as a Variant of Uncertain Significance.